The following is an entry in ClinVar:

NM_003072.5(SMARCA4):c.299C>T (p.Ser100Leu)

Gene: SMARCA4 (SWI/SNF related BAF chromatin remodeling complex subunit ATPase 4; plus strand). Cytogenetic location: 19p13.2.
Variant type: single nucleotide variant.
Coding change: c.299C>T on transcript NM_003072.5 (MANE Select); coding-DNA position 299, C replaced by T.
Protein change: p.Ser100Leu; replaces serine 100 with leucine.
Molecular consequence: missense variant. On other transcripts: non-coding transcript variant (1).
Genome position (GRCh38, 1-based): chr19:10,985,349, C>T. VCF-style: chr19-10985349-C-T. GRCh37 (hg19) VCF-style: chr19-11096025-C-T.
Other names: c.299C>T, p.Ser100Leu (NM_001128844.3, NM_001128845.2, NM_001128846.2 and 5 more transcripts); short protein forms S100L.
Identifiers: ClinVar variation 1347372 (VCV001347372.8), dbSNP rs2145750976, ClinGen allele CA404055247.

ClinVar aggregate classification (germline): Uncertain significance (1 of 4 stars; one submission).

Conditions:
Rhabdoid tumor predisposition syndrome 2 (RTPS2). Identifiers: Orphanet 231108, Orphanet 69077, MedGen C2750074, MONDO:0013224, OMIM 613325.

Allele frequency attached by ClinVar (database versions not stated): gnomAD exomes below 0.00001.

Submission:

Labcorp Genetics (formerly Invitae), Labcorp
Classification: Uncertain significance for Rhabdoid tumor predisposition syndrome 2. Last evaluated: 2024-09-06. Review status: criteria provided, single submitter. Criteria: Invitae Variant Classification Sherloc (09022015). Collection method: clinical testing. Allele origin: germline.
Comment: This sequence change replaces serine, which is neutral and polar, with leucine, which is neutral and non-polar, at codon 100 of the SMARCA4 protein (p.Ser100Leu). This variant is not present in population databases (gnomAD no frequency). This variant has not been reported in the literature in individuals affected with SMARCA4-related conditions. ClinVar contains an entry for this variant (Variation ID: 1347372). Invitae Evidence Modeling of protein sequence and biophysical properties (such as structural, functional, and spatial information, amino acid conservation, physicochemical variation, residue mobility, and thermodynamic stability) indicates that this missense variant is not expected to disrupt SMARCA4 protein function with a negative predictive value of 95%. In summary, the available evidence is currently insufficient to determine the role of this variant in disease. Therefore, it has been classified as a Variant of Uncertain Significance.